The following is an entry in ClinVar:

ClinVar aggregate classification (germline): Benign. Review status: criteria provided, multiple submitters, no conflicts (2 of 4 stars). 3 submissions from 3 submitters: Benign (2). 1 of the submissions does not count toward it. Last evaluated 2026-02-01.

Conditions:
SLC36A2-related disorder. Also called: SLC36A2-related condition.

Allele frequency attached by ClinVar (database versions not stated): gnomAD exomes 0.04096 and 0.03999; 1000 Genomes Project 0.06649; gnomAD 0.07525 and 0.07110; TOPMed 0.07297; ESP Exome Variant Server 0.07966; ExAC 0.04419; 1000 Genomes Project 30x 0.07152.
gnomAD v4.1: 69,450 of 1,613,876 alleles (4.3%); highest among the groups gnomAD compares: African/African-American, 16%; 2,136 homozygotes.

Submissions (3):

Labcorp Genetics (formerly Invitae), Labcorp
Classification: Benign. Last evaluated: 2026-02-01. Review status: criteria provided, single submitter. Criteria: Invitae Variant Classification Sherloc (09022015). Collection method: clinical testing. Allele origin: germline.

GeneDx
Classification: Benign. Last evaluated: 2021-05-05. Review status: criteria provided, single submitter. Criteria: GeneDx Variant Classification Process June 2021. Collection method: clinical testing. Allele origin: germline. Affected: yes.

PreventionGenetics, part of Exact Sciences
Classification: Benign for SLC36A2-related condition. Last evaluated: 2019-11-05. Review status: no assertion criteria provided. Collection method: clinical testing. Allele origin: germline. Not counted in ClinVar's aggregate classification.
Comment: This variant is classified as benign based on ACMG/AMP sequence variant interpretation guidelines (Richards et al. 2015 PMID: 25741868, with internal and published modifications).

NM_181776.3(SLC36A2):c.1334C>T (p.Ala445Val)

Gene: SLC36A2 (solute carrier family 36 member 2; minus strand). Cytogenetic location: 5q33.1.
Variant type: single nucleotide variant.
Coding change: c.1334C>T on transcript NM_181776.3 (MANE Select); coding-DNA position 1334, C replaced by T.
Protein change: p.Ala445Val; replaces alanine 445 with valine.
Molecular consequence: missense variant.
Genome position (GRCh38, 1-based): chr5:151,316,935, G>A on the plus strand (C>T on the coding strand, the complement: SLC36A2 is on the minus strand). VCF-style: chr5-151316935-G-A. GRCh37 (hg19) VCF-style: chr5-150696496-G-A.
Other names: short protein forms A445V.
Identifiers: ClinVar variation 1257807 (VCV001257807.9), dbSNP rs10042608, ClinGen allele CA3518559.